The following is an entry in ClinVar:

NM_024426.6(WT1):c.1056C>T (p.Pro352=)

Gene: WT1 (WT1 transcription factor; minus strand). Cytogenetic location: 11p13.
Variant type: single nucleotide variant.
Coding change: c.1056C>T on transcript NM_024426.6 (MANE Select); coding-DNA position 1056, C replaced by T.
Protein change: p.Pro352=; no amino-acid change (proline 352 retained).
Molecular consequence: synonymous variant. On other transcripts: 5 prime UTR variant (1), non-coding transcript variant (2).
Genome position (GRCh38, 1-based): chr11:32,400,005, G>A on the plus strand (C>T on the coding strand, the complement: WT1 is on the minus strand). VCF-style: chr11-32400005-G-A. GRCh37 (hg19) VCF-style: chr11-32421551-G-A.
Other names: c.1005C>T, p.Pro335= (NM_000378.6, NM_001407045.1, NM_001407048.1 and 1 more transcripts); c.405C>T, p.Pro135= (NM_001198551.2); c.354C>T, p.Pro118= (NM_001198552.2); c.-133C>T (NM_001367854.1); c.1050C>T, p.Pro350= (NM_001407044.1); c.1056C>T, p.Pro352= (NM_001407046.1, NM_024424.5); c.933C>T, p.Pro311= (NM_001407047.1); c.882C>T, p.Pro294= (NM_001407050.1); and 2 more.
Identifiers: ClinVar variation 1572514 (VCV001572514.10), dbSNP rs2132958298, ClinGen allele CA473567337.
Genomic context (GRCh38, chr11:32,400,005, plus strand): 5'-CACCTGAATGCCTCTGAAGACACCGTGCGTGTGTATTCTGTATTGGGCTCCGCAGAGGAT[G>A]GGCGTTGTGTGGTTATCGCTCTCGTACCCTGTGCTGTGGCTGCAAACACAAAGAAGGGAA-3'
Protein context (NP_077744.4, residues 342-362): TGYESDNHTT[Pro352=]ILCGAQYRIH

ClinVar aggregate classification (germline): Likely benign. Review status: criteria provided, multiple submitters, no conflicts (2 of 4 stars). 2 submissions from 2 submitters: Likely benign (2). Last evaluated 2023-04-03.

Conditions:
Wilms tumor 1 (WT1). Also called: Wilms tumor, somatic. Identifiers: Orphanet 654, MedGen CN033288, MONDO:0008679, OMIM 194070.
11p partial monosomy syndrome (WAGR). Also called: WAGR Spectrum Disorder; CHROMOSOME 11p13 DELETION SYNDROME; WAGR syndrome; WAGR Complex. Identifiers: Orphanet 893, MedGen C0206115, MONDO:0008681, OMIM 194072.
Drash syndrome (DDS). Also called: WILMS TUMOR AND PSEUDO- OR TRUE HERMAPHRODITISM; NEPHROPATHY, WILMS TUMOR, AND GENITAL ANOMALIES. Identifiers: Orphanet 220, MedGen C0950121, MONDO:0008682, OMIM 194080.
Frasier syndrome. Identifiers: Orphanet 347, MedGen C0950122, MeSH D052159, MONDO:0007635, OMIM 136680.

Submissions (2):

All of Us Research Program, National Institutes of Health
Classification: Likely benign for Wilms tumor 1. Last evaluated: 2023-04-03. Review status: criteria provided, single submitter. Criteria: ACMG Guidelines, 2015. Collection method: clinical testing. Allele origin: germline. Inheritance: Autosomal dominant inheritance. Observed: 1 variant allele, 1 heterozygote.
Comment: This study involves interpretation of variants in research participants for the purpose of population health screening. Participant phenotype was not available at the time of variant classification. Additional details can be found in publication PMID: 35346344, PMCID: PMC8962531

Labcorp Genetics (formerly Invitae), Labcorp
Classification: Likely benign for Wilms tumor 1; Drash syndrome; 11p partial monosomy syndrome; Frasier syndrome. Last evaluated: 2020-11-20. Review status: criteria provided, single submitter. Criteria: Invitae Variant Classification Sherloc (09022015). Collection method: clinical testing. Allele origin: germline.